The following is an entry in ClinVar:

ClinVar aggregate classification (germline): Uncertain significance (1 of 4 stars; one submission).

Conditions:
TWIST1-related disorder.

Submission:

PreventionGenetics, part of Exact Sciences
Classification: Uncertain significance for TWIST1-related condition. Last evaluated: 2025-12-11. Review status: criteria provided, single submitter. Criteria: ACMG Guidelines, 2015. Collection method: clinical testing. Allele origin: germline.
Comment: The TWIST1 c.55A>C variant is predicted to result in the amino acid substitution p.Asn19His. To our knowledge, this variant has not been reported in the literature or in a large population database (gnomAD), indicating this variant is rare. At this time, the clinical significance of this variant is uncertain due to the absence of conclusive functional and genetic evidence.

NM_000474.4(TWIST1):c.55A>C (p.Asn19His)

Gene: TWIST1 (twist family bHLH transcription factor 1; minus strand). Cytogenetic location: 7p21.1.
Variant type: single nucleotide variant.
Coding change: c.55A>C on transcript NM_000474.4 (MANE Select); coding-DNA position 55, A replaced by C.
Protein change: p.Asn19His; replaces asparagine 19 with histidine.
Molecular consequence: missense variant. On other transcripts: non-coding transcript variant (1).
Genome position (GRCh38, 1-based): chr7:19,117,267, T>G on the plus strand (A>C on the coding strand, the complement: TWIST1 is on the minus strand). VCF-style: chr7-19117267-T-G. GRCh37 (hg19) VCF-style: chr7-19156890-T-G.
Other names: short protein forms N19H.
Identifiers: ClinVar variation 4992959 (VCV004992959.1).